The following is an entry in ClinVar:

NM_006939.4(SOS2):c.3102dup (p.Ser1035fs)

Gene: SOS2 (SOS Ras/Rho guanine nucleotide exchange factor 2; minus strand). Cytogenetic location: 14q21.3.
Variant type: Duplication.
Coding change: c.3102dup on transcript NM_006939.4 (MANE Select); coding-DNA position 3102, one base duplicated (A; older notation c.3102dupA).
Protein change: p.Ser1035fs; shifts the reading frame from serine 1035.
Molecular consequence: frameshift variant.
Genome position (GRCh38, 1-based): chr14:50,130,736, T duplicated on the plus strand (A on the coding strand, the reverse complement: SOS2 is on the minus strand); the first of 4 consecutive T bases (chr14:50,130,736-50,130,739); duplicating any one gives the same sequence. VCF-style (leftmost placement, unchanged base first): chr14-50130735-A-AT. GRCh37 (hg19) VCF-style: chr14-50597453-A-AT.
Other names: c.3003dup, p.Ser1002fs (NM_001411020.1); short protein forms S1002fs, S1035fs.
Identifiers: ClinVar variation 2715869 (VCV002715869.3), dbSNP rs2502826953, ClinGen allele CA2697553912.

ClinVar aggregate classification (germline): Uncertain significance (1 of 4 stars; one submission).

Conditions:
Noonan syndrome 9 (NS9). Identifiers: Orphanet 648, MedGen C4225282, MONDO:0014691, OMIM 616559.

Submission:

Labcorp Genetics (formerly Invitae), Labcorp
Classification: Uncertain significance for Noonan syndrome 9. Last evaluated: 2023-06-15. Review status: criteria provided, single submitter. Criteria: Invitae Variant Classification Sherloc (09022015). Collection method: clinical testing. Allele origin: germline.
Comment: In summary, the available evidence is currently insufficient to determine the role of this variant in disease. Therefore, it has been classified as a Variant of Uncertain Significance. This variant has not been reported in the literature in individuals affected with SOS2-related conditions. This variant is not present in population databases (gnomAD no frequency). This sequence change creates a premature translational stop signal (p.Ser1035Ilefs*7) in the SOS2 gene. It is expected to result in an absent or disrupted protein product. However, the current clinical and genetic evidence is not sufficient to establish whether loss-of-function variants in SOS2 cause disease.